The following is an entry in ClinVar:

ClinVar aggregate classification (germline): Uncertain significance (1 of 4 stars; one submission).

Conditions:
HGF-related disorder. Also called: HGF-related condition.

gnomAD v4.1: 1 of 1,450,738 alleles (0.000069%); highest among the groups gnomAD compares: Non-Finnish European, 0.000096%; no homozygotes.

Submission:

PreventionGenetics, part of Exact Sciences
Classification: Uncertain significance for HGF-related condition. Last evaluated: 2025-07-24. Review status: criteria provided, single submitter. Criteria: ACMG Guidelines, 2015. Collection method: clinical testing. Allele origin: germline.
Comment: The HGF c.1444+5G>T variant is predicted to interfere with splicing. This variant is predicted to alter splicing based on available splicing prediction software (SpliceAI, Jaganathan et al. 2019. PubMed ID: 30661751). However, the use of computer prediction softwares is not equivalent to functional evidence. To our knowledge, this variant has not been reported in the literature or in a large population database (gnomAD), indicating this variant is rare. At this time, the clinical significance of this variant is uncertain due to the absence of conclusive functional and genetic evidence.

NM_000601.6(HGF):c.1444+5G>T

Gene: HGF (hepatocyte growth factor; minus strand). Cytogenetic location: 7q21.11.
Variant type: single nucleotide variant.
Coding change: c.1444+5G>T on transcript NM_000601.6 (MANE Select); 5 bases into the intron after coding-DNA position 1444, G replaced by T.
Molecular consequence: intron variant.
Genome position (GRCh38, 1-based): chr7:81,711,476, C>A on the plus strand (G>T on the coding strand, the complement: HGF is on the minus strand). VCF-style: chr7-81711476-C-A. GRCh37 (hg19) VCF-style: chr7-81340792-C-A.
Other names: c.1429+5G>T (NM_001010932.3).
Identifiers: ClinVar variation 4998627 (VCV004998627.1).